The following is an entry in ClinVar:

NM_020631.6(PLEKHG5):c.2827G>C (p.Gly943Arg)

Gene: PLEKHG5 (pleckstrin homology and RhoGEF domain containing G5; minus strand). Cytogenetic location: 1p36.31.
Variant type: single nucleotide variant.
Coding change: c.2827G>C on transcript NM_020631.6 (MANE Select); coding-DNA position 2827, G replaced by C.
Protein change: p.Gly943Arg; replaces glycine 943 with arginine.
Molecular consequence: missense variant. On other transcripts: intron variant (1).
Genome position (GRCh38, 1-based): chr1:6,468,009, C>G on the plus strand (G>C on the coding strand, the complement: PLEKHG5 is on the minus strand). VCF-style: chr1-6468009-C-G. GRCh37 (hg19) VCF-style: chr1-6528069-C-G.
Other names: p.Gly943Arg; c.2938G>C, p.Gly980Arg (NM_001042663.3, NM_001265592.2); c.2827G>C, p.Gly943Arg (NM_001042664.2, NM_001042665.2, NM_198681.4); c.3034G>C, p.Gly1012Arg (NM_001265593.2); c.2737+90G>C (NM_001265594.3); c.2827G>C (NM_020631.5); short protein forms G943R, G1012R, G980R.
Identifiers: ClinVar variation 287488 (VCV000287488.30), dbSNP rs114619322, ClinGen allele CA561087.

ClinVar aggregate classification (germline): Benign. Review status: criteria provided, multiple submitters, no conflicts (2 of 4 stars). 7 submissions from 7 submitters: Benign (7). Last evaluated 2026-02-04.

Conditions:
Neuronopathy, distal hereditary motor, autosomal recessive 4. Also called: Autosomal recessive lower motor neuron disease with childhood onset; NEUROPATHY, DISTAL HEREDITARY MOTOR, AUTOSOMAL RECESSIVE 4. Identifiers: Orphanet 206580, MedGen C1970211, MONDO:0012608, OMIM 611067.
Charcot-Marie-Tooth disease recessive intermediate C. Also called: CHARCOT-MARIE-TOOTH NEUROPATHY, RECESSIVE INTERMEDIATE C. Identifiers: Orphanet 369867, MedGen C3809309, MONDO:0014154, OMIM 615376.

Allele frequency attached by ClinVar (database versions not stated): ExAC 0.01144; ESP Exome Variant Server 0.02035; gnomAD 0.02343 and 0.02505; 1000 Genomes Project 0.02376; TOPMed 0.02544; 1000 Genomes Project 30x 0.02561.
gnomAD v4.1: 7,016 of 1,553,344 alleles (0.45%); highest among the groups gnomAD compares: African/African-American, 8%; 264 homozygotes.

Submissions (7):

Labcorp Genetics (formerly Invitae), Labcorp
Classification: Benign for Neuronopathy, distal hereditary motor, autosomal recessive 4; Charcot-Marie-Tooth disease recessive intermediate C. Last evaluated: 2026-02-04. Review status: criteria provided, single submitter. Criteria: Invitae Variant Classification Sherloc (09022015). Collection method: clinical testing. Allele origin: germline.

ARUP Laboratories, Molecular Genetics and Genomics, ARUP Laboratories
Classification: Benign. Last evaluated: 2024-08-02. Review status: criteria provided, single submitter. Criteria: ARUP Molecular Germline Variant Investigation Process 2024. Collection method: clinical testing. Allele origin: germline.

Illumina Laboratory Services, Illumina
Classification: Benign for Neuronopathy, distal hereditary motor, autosomal recessive 4. Last evaluated: 2018-01-12. Review status: criteria provided, single submitter. Criteria: ICSL Variant Classification Criteria 13 December 2019. Collection method: clinical testing. Allele origin: germline.
Comment: This variant was observed in the ICSL laboratory as part of a predisposition screen in an ostensibly healthy population. It had not been previously curated by ICSL or reported in the Human Gene Mutation Database (HGMD: prior to June 1st, 2018), and was therefore a candidate for classification through an automated scoring system. Utilizing variant allele frequency, disease prevalence and penetrance estimates, and inheritance mode, an automated score was calculated to assess if this variant is too frequent to cause the disease. Based on the score and internal cut-off values, a variant classified as benign is not then subjected to further curation. The score for this variant resulted in a classification of benign for this disease.

Mayo Clinic Laboratories, Mayo Clinic
Classification: Benign. Last evaluated: 2017-07-21. Review status: criteria provided, single submitter. Criteria: ACMG Guidelines, 2015. Collection method: clinical testing. Allele origin: germline. Observed: 31 variant alleles.

Eurofins Ntd Llc (ga)
Classification: Benign. Last evaluated: 2016-05-13. Review status: criteria provided, single submitter. Criteria: EGL Classification Definitions 2015. Collection method: clinical testing. Allele origin: germline. Observed: 3 variant alleles, 1 heterozygote, 2 homozygotes.

GeneDx
Classification: Benign. Last evaluated: 2015-03-03. Review status: criteria provided, single submitter. Criteria: GeneDx Variant Classification Process June 2021. Collection method: clinical testing. Allele origin: germline. Affected: yes.

Breakthrough Genomics
Classification: Benign. Review status: criteria provided, single submitter. Criteria: ACMG Guidelines, 2015. Collection method: not provided. Allele origin: germline. Inheritance: Autosomal recessive inheritance. Affected: yes.